The following is an entry in ClinVar:

ClinVar aggregate classification (germline): Likely pathogenic (1 of 4 stars; one submission).

Conditions:
Abortive cerebellar ataxia (BEHRS). Also called: OPTIC ATROPHY, INFANTILE HEREDITARY, WITH NEUROLOGIC ABNORMALITIES; Behr syndrome. Identifiers: Orphanet 1239, MedGen C0221061, MONDO:0008858, OMIM 210000.

Submission:

Neuberg Centre For Genomic Medicine, NCGM
Classification: Likely pathogenic for Abortive cerebellar ataxia. Review status: criteria provided, single submitter. Criteria: ACMG Guidelines, 2015. Collection method: clinical testing. Allele origin: germline. Inheritance: Autosomal recessive inheritance. Affected: yes.
Comment: The frame shift c.2937_2938del(p.Lys979AsnfsTer2) variant in OPA1 gene has not been reported previously as a pathogenic variant nor as a benign variant, to our knowledge. The p.Lys979AsnfsTer2 variant is novel (not in any individuals) in gnomAD Exomes and is novel (not in any individuals) in 1000 Genomes. This variant causes a frameshift starting with codon Lysine 979, changes this amino acid to Asparagine residue, and creates a premature Stop codon at position 2 of the new reading frame, denoted p.Lys979AsnfsTer2. This variant is predicted to cause loss of normal protein function through protein truncation. Loss of function variants have been previously reported to be disease causing. For these reasons, this variant has been classified as Likely Pathogenic.

NM_130837.3(OPA1):c.2937_2938del (p.Lys979fs)

Gene: OPA1 (OPA1 mitochondrial dynamin like GTPase; plus strand). Cytogenetic location: 3q29.
Variant type: Deletion.
Coding change: c.2937_2938del on transcript NM_130837.3 (MANE Select); coding-DNA positions 2937 to 2938, 2 bases deleted (GA; older notation c.2937_2938delGA).
Protein change: p.Lys979fs; shifts the reading frame from lysine 979.
Molecular consequence: frameshift variant.
Genome position (GRCh38, 1-based): chr3:193,667,234-193,667,235, GA deleted; deleting any 2 consecutive bases within chr3:193,667,233-193,667,235 gives the same sequence; the c. name uses the placement nearest the transcript's 3' end. VCF-style (leftmost placement, unchanged base first): chr3-193667232-AAG-A. GRCh37 (hg19) VCF-style: chr3-193385021-AAG-A.
Other names: c.2403_2404del, p.Lys801fs (NM_001354663.2); c.2400_2401del, p.Lys800fs (NM_001354664.2); c.2772_2773del, p.Lys924fs (NM_015560.3); c.2664_2665del, p.Lys888fs (NM_130831.3); c.2718_2719del, p.Lys906fs (NM_130832.3); c.2775_2776del, p.Lys925fs (NM_130833.3); c.2826_2827del, p.Lys942fs (NM_130834.3); c.2829_2830del, p.Lys943fs (NM_130835.3); and 2 more; short protein forms K800fs, K801fs, K942fs, K943fs, K979fs, K925fs, K961fs, K924fs.
Identifiers: ClinVar variation 2585301 (VCV002585301.1), dbSNP rs2475206007, ClinGen allele CA2582342651.